The following is an entry in ClinVar:

NM_024685.4(BBS10):c.-8G>A

Gene: BBS10 (Bardet-Biedl syndrome 10; minus strand). Cytogenetic location: 12q21.2.
Variant type: single nucleotide variant.
Coding change: c.-8G>A on transcript NM_024685.4 (MANE Select); 8 bases upstream of the start codon, G replaced by A.
Molecular consequence: 5 prime UTR variant.
Genome position (GRCh38, 1-based): chr12:76,348,366, C>T on the plus strand (G>A on the coding strand, the complement: BBS10 is on the minus strand). VCF-style: chr12-76348366-C-T. GRCh37 (hg19) VCF-style: chr12-76742146-C-T.
Identifiers: ClinVar variation 5002563 (VCV005002563.1).
Genomic context (GRCh38, chr12:76,348,366, plus strand): 5'-GCCACCTGCAACGCCGCCTTCACAGACCCTGCAGCGGCCATAGAACTTAACATATCTGGG[C>T]CGCTTCCCCTTTTTGACCAGCTTGCAGAACACCCGGGCCGACCGAAAACAGGGGTGGGAA-3'

ClinVar aggregate classification (germline): Likely benign (1 of 4 stars; one submission).

Conditions:
BBS10-related disorder. Also called: BBS10-related condition.

Submission:

PreventionGenetics, part of Exact Sciences
Classification: Likely benign for BBS10-related condition. Last evaluated: 2024-12-27. Review status: criteria provided, single submitter. Criteria: ACMG Guidelines, 2015. Collection method: clinical testing. Allele origin: germline.
Comment: This variant is classified as likely benign based on ACMG/AMP sequence variant interpretation guidelines (Richards et al. 2015 PMID: 25741868, with internal and published modifications).